The following is an entry in ClinVar:

ClinVar aggregate classification (germline): Likely pathogenic (1 of 4 stars; one submission).

Submission:

Labcorp Genetics (formerly Invitae), Labcorp
Classification: Likely pathogenic. Last evaluated: 2022-10-25. Review status: criteria provided, single submitter. Criteria: Invitae Variant Classification Sherloc (09022015). Collection method: clinical testing. Allele origin: germline.
Comment: Algorithms developed to predict the effect of sequence changes on RNA splicing suggest that this variant may disrupt the consensus splice site. In summary, the currently available evidence indicates that the variant is pathogenic, but additional data are needed to prove that conclusively. Therefore, this variant has been classified as Likely Pathogenic. Disruption of this splice site has been observed in individual(s) with Usher syndrome (PMID: 30774966). This variant is not present in population databases (gnomAD no frequency). This sequence change affects a donor splice site in intron 10 of the CDH23 gene. It is expected to disrupt RNA splicing. Variants that disrupt the donor or acceptor splice site typically lead to a loss of protein function (PMID: 16199547), and loss-of-function variants in CDH23 are known to be pathogenic (PMID: 11138009, 21940737).

Literature cited by the submitters: PubMed 30774966; PubMed 16199547; PubMed 11138009; PubMed 21940737.

NM_022124.6(CDH23):c.945+1G>C

Gene: CDH23 (cadherin related 23; plus strand). Cytogenetic location: 10q22.1.
Variant type: single nucleotide variant.
Coding change: c.945+1G>C on transcript NM_022124.6 (MANE Select); the canonical splice donor site of the intron after coding-DNA position 945, G replaced by C.
Molecular consequence: splice donor variant.
Genome position (GRCh38, 1-based): chr10:71,615,617, G>C. VCF-style: chr10-71615617-G-C. GRCh37 (hg19) VCF-style: chr10-73375374-G-C.
Other names: c.945+1G>C (NM_001171930.2, NM_001171931.2, NM_052836.4 and 1 more transcripts).
Identifiers: ClinVar variation 2036791 (VCV002036791.4), dbSNP rs727502919, ClinGen allele CA377121558.